The following is an entry in ClinVar:

NM_018993.4(RIN2):c.733C>T (p.Leu245Phe)

Gene: RIN2 (Ras and Rab interactor 2; plus strand). Cytogenetic location: 20p11.23.
Variant type: single nucleotide variant.
Coding change: c.733C>T on transcript NM_018993.4 (MANE Select); coding-DNA position 733, C replaced by T.
Protein change: p.Leu245Phe; replaces leucine 245 with phenylalanine.
Molecular consequence: missense variant.
Genome position (GRCh38, 1-based): chr20:19,974,758, C>T. VCF-style: chr20-19974758-C-T. GRCh37 (hg19) VCF-style: chr20-19955402-C-T.
Other names: c.880C>T, p.Leu294Phe (NM_001242581.2); c.115C>T, p.Leu39Phe (NM_001378238.1); short protein forms L245F, L294F, L39F.
Identifiers: ClinVar variation 3710590 (VCV003710590.2).

ClinVar aggregate classification (germline): Uncertain significance (1 of 4 stars; one submission).

gnomAD v4.1: 1 of 1,614,038 alleles (0.000062%); highest among the groups gnomAD compares: Non-Finnish European, 0.000085%; no homozygotes.

Submission:

Labcorp Genetics (formerly Invitae), Labcorp
Classification: Uncertain significance. Last evaluated: 2024-12-21. Review status: criteria provided, single submitter. Criteria: Invitae Variant Classification Sherloc (09022015). Collection method: clinical testing. Allele origin: germline.
Comment: This sequence change replaces leucine, which is neutral and non-polar, with phenylalanine, which is neutral and non-polar, at codon 245 of the RIN2 protein (p.Leu245Phe). This variant is present in population databases (rs780718694, gnomAD 0.0009%). This variant has not been reported in the literature in individuals affected with RIN2-related conditions. Experimental studies and prediction algorithms are not available or were not evaluated, and the functional significance of this variant is currently unknown. In summary, the available evidence is currently insufficient to determine the role of this variant in disease. Therefore, it has been classified as a Variant of Uncertain Significance.